The following is an entry in ClinVar:

NM_001848.3(COL6A1):c.2170G>A (p.Ala724Thr)

Gene: COL6A1 (collagen type VI alpha 1 chain; plus strand). Cytogenetic location: 21q22.3.
Variant type: single nucleotide variant.
Coding change: c.2170G>A on transcript NM_001848.3 (MANE Select); coding-DNA position 2170, G replaced by A.
Protein change: p.Ala724Thr; replaces alanine 724 with threonine.
Molecular consequence: missense variant.
Genome position (GRCh38, 1-based): chr21:46,002,321, G>A. VCF-style: chr21-46002321-G-A. GRCh37 (hg19) VCF-style: chr21-47422235-G-A.
Other names: short protein forms A724T.
Identifiers: ClinVar variation 2895999 (VCV002895999.5), dbSNP rs986553501, ClinGen allele CA321978740.
Genomic context (GRCh38, chr21:46,002,321, plus strand): 5'-GGGGAGGCCCTGCAGTACACGCGGGACCAGCTGCTGCCGCCCAGCCCGAACAACCGCATC[G>A]CCCTGGTCATCACTGACGGGCGCTCAGACACTCAGAGGGACACCACACCGCTCAACGTGC-3'
Protein context (NP_001839.2, residues 714-734): LLPPSPNNRI[Ala724Thr]LVITDGRSDT

ClinVar aggregate classification (germline): Uncertain significance. Review status: criteria provided, multiple submitters, no conflicts (2 of 4 stars). 3 submissions from 3 submitters: Uncertain significance (3). Last evaluated 2024-08-04.

Conditions:
Bethlem myopathy 1A. Also called: MYOPATHY, BENIGN CONGENITAL, WITH CONTRACTURES; Bethlem myopathy 1; Bethlem Muscular Dystrophy. Identifiers: Orphanet 610, MedGen CN029274, MONDO:0024530, OMIM 158810.
Ullrich congenital muscular dystrophy 1A. Also called: Ullrich congenital muscular dystrophy 1; Intermediate COL6-RD. Identifiers: Orphanet 75840, MedGen C0410179, MONDO:0009681, OMIM 254090.

Submissions (3):

Labcorp Genetics (formerly Invitae), Labcorp
Classification: Uncertain significance for Bethlem myopathy 1A. Last evaluated: 2024-08-04. Review status: criteria provided, single submitter. Criteria: Invitae Variant Classification Sherloc (09022015). Collection method: clinical testing. Allele origin: germline.
Comment: This sequence change replaces alanine, which is neutral and non-polar, with threonine, which is neutral and polar, at codon 724 of the COL6A1 protein (p.Ala724Thr). This variant is not present in population databases (gnomAD no frequency). This variant has not been reported in the literature in individuals affected with COL6A1-related conditions. Advanced modeling of protein sequence and biophysical properties (such as structural, functional, and spatial information, amino acid conservation, physicochemical variation, residue mobility, and thermodynamic stability) performed at Invitae indicates that this missense variant is not expected to disrupt COL6A1 protein function with a negative predictive value of 95%. In summary, the available evidence is currently insufficient to determine the role of this variant in disease. Therefore, it has been classified as a Variant of Uncertain Significance.

3billion
Classification: Uncertain significance for Ullrich congenital muscular dystrophy 1A. Last evaluated: 2024-07-03. Review status: criteria provided, single submitter. Criteria: ACMG Guidelines, 2015. Collection method: clinical testing. Allele origin: germline. Affected: yes.
Comment: The variant is observed at an extremely low frequency in the gnomAD v4.0.0 dataset (total allele frequency: 0.001%). Predicted Consequence/Location: Missense variant In silico tool predictions suggest damaging effect of the variant on gene or gene product [REVEL: 0.66 (>=0.6, sensitivity 0.68 and specificity 0.92); 3Cnet: 0.06 (>=0.6, sensitivity 0.72 and precision 0.9)]. The same nucleotide change resulting in the same amino acid change has been previously reported to be associated with COL6A1 related disorder (PMID: 23040494). However, the evidence of pathogenicity is insufficient at this time. Therefore, this variant is classified as VUS according to the recommendation of ACMG/AMP guideline.

Blueprint Genetics
Classification: Uncertain significance. Last evaluated: 2021-12-16. Review status: criteria provided, single submitter. Criteria: ACMG Guidelines, 2015. Collection method: clinical testing. Allele origin: germline.

Literature cited by the submitters: PubMed 23040494 (cited by 3billion).